The following is an entry in ClinVar:

NM_002017.5(FLI1):c.334C>A (p.Pro112Thr)

Gene: FLI1 (Fli-1 proto-oncogene, ETS transcription factor; plus strand). Cytogenetic location: 11q24.3.
Variant type: single nucleotide variant.
Coding change: c.334C>A on transcript NM_002017.5 (MANE Select); coding-DNA position 334, C replaced by A.
Protein change: p.Pro112Thr; replaces proline 112 with threonine.
Molecular consequence: missense variant. On other transcripts: intron variant (1).
Genome position (GRCh38, 1-based): chr11:128,768,221, C>A. VCF-style: chr11-128768221-C-A. GRCh37 (hg19) VCF-style: chr11-128638116-C-A.
Other names: c.235C>A, p.Pro79Thr (NM_001167681.3); c.136C>A, p.Pro46Thr (NM_001271010.2); c.10+9895C>A (NM_001271012.2); short protein forms P46T, P79T, P112T.
Identifiers: ClinVar variation 2042944 (VCV002042944.4), dbSNP rs776142665, ClinGen allele CA383235648.

ClinVar aggregate classification (germline): Uncertain significance (1 of 4 stars; one submission).

Allele frequency attached by ClinVar (database versions not stated): gnomAD 0.00001; TOPMed 0.00001.
gnomAD v4.1: 5 of 1,613,742 alleles (0.00031%); highest among the groups gnomAD compares: Non-Finnish European, 0.00042%; no homozygotes.

Submission:

Labcorp Genetics (formerly Invitae), Labcorp
Classification: Uncertain significance. Last evaluated: 2022-09-15. Review status: criteria provided, single submitter. Criteria: Invitae Variant Classification Sherloc (09022015). Collection method: clinical testing. Allele origin: germline.
Comment: Advanced modeling of protein sequence and biophysical properties (such as structural, functional, and spatial information, amino acid conservation, physicochemical variation, residue mobility, and thermodynamic stability) performed at Invitae indicates that this missense variant is not expected to disrupt FLI1 protein function. In summary, the available evidence is currently insufficient to determine the role of this variant in disease. Therefore, it has been classified as a Variant of Uncertain Significance. This variant has not been reported in the literature in individuals affected with FLI1-related conditions. This variant is present in population databases (no rsID available, gnomAD 0.002%). This sequence change replaces proline, which is neutral and non-polar, with threonine, which is neutral and polar, at codon 112 of the FLI1 protein (p.Pro112Thr).